The following is an entry in ClinVar:

NM_176806.4(MOCS2):c.42A>T (p.Lys14Asn)

Gene: MOCS2 (molybdenum cofactor synthesis 2; minus strand). Cytogenetic location: 5q11.2.
Variant type: single nucleotide variant.
Coding change: c.42A>T on transcript NM_176806.4 (MANE Plus Clinical); coding-DNA position 42, A replaced by T.
Protein change: p.Lys14Asn; replaces lysine 14 with asparagine.
Molecular consequence: missense variant. On other transcripts: 5 prime UTR variant (1).
Genome position (GRCh38, 1-based): chr5:53,108,620, T>A on the plus strand (A>T on the coding strand, the complement: MOCS2 is on the minus strand). VCF-style: chr5-53108620-T-A. GRCh37 (hg19) VCF-style: chr5-52404450-T-A.
Other names: c.-146A>T (NM_004531.5, NM_183418.1); short protein forms K14N.
Identifiers: ClinVar variation 1971931 (VCV001971931.3), dbSNP rs754501260, ClinGen allele CA3263816.

ClinVar aggregate classification (germline): Uncertain significance (1 of 4 stars; one submission).

Allele frequency attached by ClinVar (database versions not stated): gnomAD exomes below 0.00001; ExAC 0.00001.
gnomAD v4.1: 1 of 1,613,702 alleles (0.000062%); highest among the groups gnomAD compares: Admixed American, 0.0017%; no homozygotes.

Submission:

Labcorp Genetics (formerly Invitae), Labcorp
Classification: Uncertain significance. Last evaluated: 2022-10-13. Review status: criteria provided, single submitter. Criteria: Invitae Variant Classification Sherloc (09022015). Collection method: clinical testing. Allele origin: germline.
Comment: This sequence change replaces lysine, which is basic and polar, with asparagine, which is neutral and polar, at codon 14 of the MOCS2A protein (p.Lys14Asn). This variant is present in population databases (rs754501260, gnomAD 0.003%). This variant has not been reported in the literature in individuals affected with MOCS2A-related conditions. Algorithms developed to predict the effect of missense changes on protein structure and function are either unavailable or do not agree on the potential impact of this missense change (SIFT: "Tolerated"; PolyPhen-2: "Possibly Damaging"; Align-GVGD: "Class C0"). In summary, the available evidence is currently insufficient to determine the role of this variant in disease. Therefore, it has been classified as a Variant of Uncertain Significance.